The following is an entry in ClinVar:

ClinVar aggregate classification (germline): Pathogenic (1 of 4 stars; one submission).

Conditions:
Neuronal intranuclear inclusion disease (NIID). Identifiers: Orphanet 2289, MedGen C1863843, MONDO:0011327, OMIM 603472.

Submission:

Systems Biology Laboratory, Department of Convergent Bioscience and Informatics, Chungnam National University
Classification: Pathogenic for Neuronal intranuclear inclusion disease. Last evaluated: 2026-10-01. Review status: criteria provided, single submitter. Criteria: ACMG Guidelines, 2015. Collection method: research. Allele origin: paternal. Inheritance: Autosomal dominant inheritance. Affected: yes. Observed: 1 variant allele, 1 heterozygote.
Comment: Heterozygous (GGC)94 expansion in the 5-prime UTR of NOTCH2NLC, within the established pathogenic range for neuronal intranuclear inclusion disease (PMID:31332381; PMID:38779172). Repeat sized from a haplotype-resolved PacBio HiFi assembly (uninterrupted GGC tract of 94 units followed by the reference GGA[2]GGC[2]) and concordant with TRGT, Straglr and spanning-read estimates. The expanded allele was unmethylated. Locus-specific classification; ACMG/AMP points not applicable to repeat expansions.

Literature cited by the submitters: PubMed 31332381; PubMed 38779172.

NM_001364013.2(NOTCH2NLC):c.18CGG[94] (p.Gly18_Asp19insGlyGlyGlyGlyGlyGlyGlyGlyGlyGlyGlyGlyGlyGlyGlyGlyGlyGlyGlyGlyGlyGlyGlyGlyGlyGlyGlyGlyGlyGlyGlyGlyGlyGlyGlyGlyGlyGlyGlyGlyGlyGlyGlyGlyGlyGlyGlyGlyGlyGlyGlyGlyGlyGlyGlyGlyGlyGlyGlyGlyGlyGlyGlyGlyGlyGlyGlyGlyGlyGlyGlyGlyGlyGlyGlyGlyGlyGlyGlyGlyGlyGlyGlyGlyGly)

Gene: NOTCH2NLC (notch 2 N-terminal like C; plus strand). Cytogenetic location: 1q21.2.
Variant type: Microsatellite.
Coding change: c.18CGG[94] on transcript NM_001364013.2 (MANE Select); 94 copies in a row of the 3-base unit CGG starting at c.18.
Protein change: p.Gly18_Asp19insGlyGlyGlyGlyGlyGlyGlyGlyGlyGlyGlyGlyGlyGlyGlyGlyGlyGlyGlyGlyGlyGlyGlyGlyGlyGlyGlyGlyGlyGlyGlyGlyGlyGlyGlyGlyGlyGlyGlyGlyGlyGlyGlyGlyGlyGlyGlyGlyGlyGlyGlyGlyGlyGlyGlyGlyGlyGlyGlyGlyGlyGlyGlyGlyGlyGlyGlyGlyGlyGlyGlyGlyGlyGlyGlyGlyGlyGlyGlyGlyGlyGlyGlyGlyGly.
Molecular consequence: inframe insertion. On other transcripts: 5 prime UTR variant (2).
Genome position: GRCh38, VCF-style position (the base before the change): chr1:149,390,802.
Other names: NC_000001.11:g.149390803_149390829GGC[94]; NC_000001.11:g.149390803_149390841GGC[94]GGA[2]GGC[2]; c.-162CGG[94] (NM_001364012.2); c.-164_-138GGC[94] (NM_001364012.2).
Identifiers: ClinVar variation 5042735 (VCV005042735.1).